The following is an entry in ClinVar:

NM_001197104.2(KMT2A):c.1700del (p.Thr567fs)

Gene: KMT2A (lysine methyltransferase 2A; plus strand). Cytogenetic location: 11q23.3.
Variant type: Deletion.
Coding change: c.1700del on transcript NM_001197104.2 (MANE Select); coding-DNA position 1700, one base deleted (C; older notation c.1700delC).
Protein change: p.Thr567fs; shifts the reading frame from threonine 567.
Molecular consequence: frameshift variant.
Genome position (GRCh38, 1-based): chr11:118,472,859, C deleted. VCF-style (leftmost placement, unchanged base first): chr11-118472858-AC-A. GRCh37 (hg19) VCF-style: chr11-118343573-AC-A.
Other names: c.1799delC, p.Thr600Ilefs (NM_001412597.1); c.1700del, p.Thr567fs (NM_005933.4); short protein forms T567fs.
Identifiers: ClinVar variation 2124111 (VCV002124111.4), dbSNP rs2496802943, ClinGen allele CA2580083590.

ClinVar aggregate classification (germline): Pathogenic (1 of 4 stars; one submission).

Submission:

Labcorp Genetics (formerly Invitae), Labcorp
Classification: Pathogenic. Last evaluated: 2022-04-10. Review status: criteria provided, single submitter. Criteria: Invitae Variant Classification Sherloc (09022015). Collection method: clinical testing. Allele origin: germline.
Comment: For these reasons, this variant has been classified as Pathogenic. This variant has not been reported in the literature in individuals affected with KMT2A-related conditions. This variant is not present in population databases (gnomAD no frequency). This sequence change creates a premature translational stop signal (p.Thr567Ilefs*26) in the KMT2A gene. It is expected to result in an absent or disrupted protein product. Loss-of-function variants in KMT2A are known to be pathogenic (PMID: 22795537, 25574841, 25810209, 28120103, 29574747, 31157197, 31337854).

Literature cited by the submitters: PubMed 22795537; PubMed 25574841; PubMed 25810209; PubMed 28120103; PubMed 29574747; PubMed 31157197; PubMed 31337854.